The following is an entry in ClinVar:

ClinVar aggregate classification (germline): Uncertain significance (1 of 4 stars; one submission).

Conditions:
Walker-Warburg congenital muscular dystrophy. Also called: Muscular dystrophy-dystroglycanopathy, type A; Walker-Warburg syndrome. Identifiers: Orphanet 899, MedGen C0265221, MONDO:0000171.
Autosomal recessive limb-girdle muscular dystrophy type 2K. Also called: MUSCULAR DYSTROPHY, LIMB-GIRDLE, TYPE 2K; MUSCULAR DYSTROPHY-DYSTROGLYCANOPATHY (LIMB-GIRDLE), TYPE C, 1. Identifiers: Orphanet 86812, MedGen C1836373, MONDO:0012248, OMIM 609308.
Muscular dystrophy-dystroglycanopathy (congenital with impaired intellectual development), type B, 1. Also called: MUSCULAR DYSTROPHY, CONGENITAL, POMT1-RELATED; Muscular dystrophy-dystroglycanopathy (congenital with intellectual disability), type B1. Identifiers: MedGen C5436962, MONDO:0013159, OMIM 613155.

gnomAD v4.1: 1 of 1,614,168 alleles (0.000062%); highest among the groups gnomAD compares: Non-Finnish European, 0.000085%; no homozygotes.

Submission:

Labcorp Genetics (formerly Invitae), Labcorp
Classification: Uncertain significance for Muscular dystrophy-dystroglycanopathy (congenital with impaired intellectual development), type B, 1; Walker-Warburg congenital muscular dystrophy; Autosomal recessive limb-girdle muscular dystrophy type 2K. Last evaluated: 2022-07-18. Review status: criteria provided, single submitter. Criteria: Invitae Variant Classification Sherloc (09022015). Collection method: clinical testing. Allele origin: germline.
Comment: This variant has not been reported in the literature in individuals affected with POMT1-related conditions. ClinVar contains an entry for this variant (Variation ID: 1377606). Algorithms developed to predict the effect of missense changes on protein structure and function are either unavailable or do not agree on the potential impact of this missense change (SIFT: "Tolerated"; PolyPhen-2: "Probably Damaging"; Align-GVGD: "Class C0"). In summary, the available evidence is currently insufficient to determine the role of this variant in disease. Therefore, it has been classified as a Variant of Uncertain Significance. This variant is not present in population databases (gnomAD no frequency). This sequence change replaces alanine, which is neutral and non-polar, with serine, which is neutral and polar, at codon 264 of the POMT1 protein (p.Ala264Ser).

NM_001077365.2(POMT1):c.724G>T (p.Ala242Ser)

Gene: POMT1 (protein O-mannosyltransferase 1; plus strand). Cytogenetic location: 9q34.13.
Variant type: single nucleotide variant.
Coding change: c.724G>T on transcript NM_001077365.2 (MANE Select); coding-DNA position 724, G replaced by T.
Protein change: p.Ala242Ser; replaces alanine 242 with serine.
Molecular consequence: missense variant. On other transcripts: non-coding transcript variant (10).
Genome position (GRCh38, 1-based): chr9:131,510,284, G>T. VCF-style: chr9-131510284-G-T. GRCh37 (hg19) VCF-style: chr9-134385671-G-T.
Other names: c.628G>T, p.Ala210Ser (NM_001353197.2, NM_001353198.2); c.439G>T, p.Ala147Ser (NM_001353199.2); c.268G>T, p.Ala90Ser (NM_001353200.2); c.707G>T, p.Arg236Leu (NM_001374689.1); c.724G>T, p.Ala242Ser (NM_001374690.1, NM_001136113.2); c.373G>T, p.Ala125Ser (NM_001374691.1, NM_001374692.1, NM_001136114.2 and 1 more transcripts); c.562G>T, p.Ala188Ser (NM_001374693.1, NM_001077366.2, NM_001353194.2); c.334G>T, p.Ala112Ser (NM_001374695.1); and 2 more; short protein forms A112S, A212S, A242S, R236L, A125S, A147S, A210S, A90S.
Identifiers: ClinVar variation 1377606 (VCV001377606.8), dbSNP rs779771679, ClinGen allele CA375307669.